The following is an entry in ClinVar:

ClinVar aggregate classification (germline): Uncertain significance. Review status: criteria provided, multiple submitters, no conflicts (2 of 4 stars). 2 submissions from 2 submitters: Uncertain significance (2). Last evaluated 2025-04-13.

Conditions:
Inborn genetic diseases. Identifiers: MedGen C0950123, MeSH D030342.
Spondyloepimetaphyseal dysplasia, PAPSS2 type. Also called: BRACHYOLMIA TYPE 4 WITH MILD EPIPHYSEAL AND METAPHYSEAL CHANGES; SPONDYLODYSPLASIA AND PREMATURE PUBARCHE; SEMD, PAKISTANI TYPE. Identifiers: Orphanet 93282, MedGen C2748516, MONDO:0019666, OMIM 612847.

Allele frequency attached by ClinVar (database versions not stated): gnomAD exomes below 0.00001; TOPMed 0.00001.
gnomAD v4.1: 1 of 1,613,800 alleles (0.000062%); highest among the groups gnomAD compares: Non-Finnish European, 0.000085%; no homozygotes.

Submissions (2):

Ambry Genetics
Classification: Uncertain significance for Inborn genetic diseases. Last evaluated: 2025-04-13. Review status: criteria provided, single submitter. Criteria: Ambry Variant Classification Scheme 2023. Collection method: clinical testing. Allele origin: germline.

Labcorp Genetics (formerly Invitae), Labcorp
Classification: Uncertain significance for Spondyloepimetaphyseal dysplasia, PAPSS2 type. Last evaluated: 2021-03-23. Review status: criteria provided, single submitter. Criteria: Invitae Variant Classification Sherloc (09022015). Collection method: clinical testing. Allele origin: germline.
Comment: This variant is not present in population databases (ExAC no frequency). This sequence change replaces aspartic acid with tyrosine at codon 369 of the PAPSS2 protein (p.Asp369Tyr). The aspartic acid residue is highly conserved and there is a large physicochemical difference between aspartic acid and tyrosine. This variant has not been reported in the literature in individuals with PAPSS2-related conditions. In summary, the available evidence is currently insufficient to determine the role of this variant in disease. Therefore, it has been classified as a Variant of Uncertain Significance. Algorithms developed to predict the effect of sequence changes on RNA splicing suggest that this variant may create or strengthen a splice site, but this prediction has not been confirmed by published transcriptional studies. Algorithms developed to predict the effect of missense changes on protein structure and function (SIFT, PolyPhen-2, Align-GVGD) all suggest that this variant is likely to be disruptive, but these predictions have not been confirmed by published functional studies and their clinical significance is uncertain.

NM_001015880.2(PAPSS2):c.1105G>T (p.Asp369Tyr)

Gene: PAPSS2 (3'-phosphoadenosine 5'-phosphosulfate synthase 2; plus strand). Cytogenetic location: 10q23.31.
Variant type: single nucleotide variant.
Coding change: c.1105G>T on transcript NM_001015880.2 (MANE Select); coding-DNA position 1105, G replaced by T.
Protein change: p.Asp369Tyr; replaces aspartic acid 369 with tyrosine.
Molecular consequence: missense variant.
Genome position (GRCh38, 1-based): chr10:87,741,253, G>T. VCF-style: chr10-87741253-G-T. GRCh37 (hg19) VCF-style: chr10-89501010-G-T.
Other names: c.1090G>T, p.Asp364Tyr (NM_004670.4); c.1090G>T (NM_004670.3); short protein forms D364Y, D369Y.
Identifiers: ClinVar variation 1415824 (VCV001415824.9), dbSNP rs1227547346, ClinGen allele CA377482480.